The following is an entry in ClinVar:

NM_173660.5(DOK7):c.816_873del (p.His272fs)

Gene: DOK7 (docking protein 7; plus strand). Cytogenetic location: 4p16.3.
Variant type: Deletion.
Coding change: c.816_873del on transcript NM_173660.5 (MANE Select); coding-DNA positions 816 to 873, 58 bases deleted.
Protein change: p.His272fs; shifts the reading frame from histidine 272.
Molecular consequence: frameshift variant. On other transcripts: 3 prime UTR variant (1), 5 prime UTR variant (1).
Genome position (GRCh38, 1-based): chr4:3,492,802-3,492,859, 58 bases deleted. GRCh37 (hg19): chr4:3,494,529-3,494,586.
Other names: c.*37_*94del (NM_001164673.2); c.-115_-58del (NM_001256896.2); c.816_873del, p.His272fs (NM_001301071.2); c.384_441del, p.His128fs (NM_001363811.2); short protein forms H128fs, H272fs.
Identifiers: ClinVar variation 4886596 (VCV004886596.2).

ClinVar aggregate classification (germline): Likely pathogenic (1 of 4 stars; one submission).

Submission:

Dasa
Classification: Likely pathogenic. Last evaluated: 2026-04-10. Review status: criteria provided, single submitter. Criteria: DASA Assertion Criteria. Collection method: clinical testing. Allele origin: germline.
Comment: NM_173660.5(DOK7):c.816_873del (p.His272Glnfs*165) is a frameshift variant in DOK7 predicted to alter the reading frame and introduce a premature termination codon and is predicted to result in an absent or altered protein product. Loss of function is an established disease mechanism for DOK7-associated disorders. Also, this variant is absent from population databases. Based on the currently available evidence, this variant is classified as likely pathogenic.